The following is an entry in ClinVar:

ClinVar aggregate classification (germline): Uncertain significance. Review status: criteria provided, multiple submitters, no conflicts (2 of 4 stars). 2 submissions from 2 submitters: Uncertain significance (2). Last evaluated 2025-08-22.

Conditions:
Primary ciliary dyskinesia. Also called: Ciliary dyskinesia. Identifiers: Orphanet 244, MedGen C0008780, MONDO:0016575, HP:0012265.

Allele frequency attached by ClinVar (database versions not stated): gnomAD exomes 0.00003 and 0.00002; ExAC 0.00005; ESP Exome Variant Server 0.00022; gnomAD below 0.00001 and 0.00001; TOPMed below 0.00001.
gnomAD v4.1: 27 of 1,550,978 alleles (0.0017%); highest among the groups gnomAD compares: South Asian, 0.019%; no homozygotes.

Submissions (2):

Ambry Genetics
Classification: Uncertain significance for Primary ciliary dyskinesia. Last evaluated: 2025-08-22. Review status: criteria provided, single submitter. Criteria: Ambry Variant Classification Scheme 2023. Collection method: clinical testing. Allele origin: germline.

Labcorp Genetics (formerly Invitae), Labcorp
Classification: Uncertain significance for Primary ciliary dyskinesia. Last evaluated: 2023-12-11. Review status: criteria provided, single submitter. Criteria: Invitae Variant Classification Sherloc (09022015). Collection method: clinical testing. Allele origin: germline.
Comment: This sequence change replaces arginine, which is basic and polar, with glutamine, which is neutral and polar, at codon 135 of the CCDC114 protein (p.Arg135Gln). This variant is present in population databases (rs369531391, gnomAD 0.009%). This variant has not been reported in the literature in individuals affected with CCDC114-related conditions. ClinVar contains an entry for this variant (Variation ID: 653754). Algorithms developed to predict the effect of missense changes on protein structure and function output the following: SIFT: "Not Available"; PolyPhen-2: "Benign"; Align-GVGD: "Not Available". The glutamine amino acid residue is found in multiple mammalian species, which suggests that this missense change does not adversely affect protein function. In summary, the available evidence is currently insufficient to determine the role of this variant in disease. Therefore, it has been classified as a Variant of Uncertain Significance.

NM_001364171.2(ODAD1):c.515G>A (p.Arg172Gln)

Gene: ODAD1 (outer dynein arm docking complex subunit 1; minus strand). Cytogenetic location: 19q13.33.
Variant type: single nucleotide variant.
Coding change: c.515G>A on transcript NM_001364171.2 (MANE Select); coding-DNA position 515, G replaced by A.
Protein change: p.Arg172Gln; replaces arginine 172 with glutamine.
Molecular consequence: missense variant.
Genome position (GRCh38, 1-based): chr19:48,311,635, C>T on the plus strand (G>A on the coding strand, the complement: ODAD1 is on the minus strand). VCF-style: chr19-48311635-C-T. GRCh37 (hg19) VCF-style: chr19-48814892-C-T.
Other names: c.404G>A, p.Arg135Gln (NM_144577.4); short protein forms R135Q, R172Q.
Identifiers: ClinVar variation 653754 (VCV000653754.8), dbSNP rs369531391, ClinGen allele CA9549034.